The following is an entry in ClinVar:

ClinVar aggregate classification (germline): Uncertain significance. Review status: criteria provided, multiple submitters, no conflicts (2 of 4 stars). 2 submissions from 2 submitters: Uncertain significance (2). Last evaluated 2025-06-04.

Allele frequency attached by ClinVar (database versions not stated): gnomAD 0.00001; gnomAD exomes 0.00001; TOPMed 0.00002.
gnomAD v4.1: 7 of 1,613,676 alleles (0.00043%); highest among the groups gnomAD compares: Non-Finnish European, 0.00059%; no homozygotes.

Submissions (2):

Labcorp Genetics (formerly Invitae), Labcorp
Classification: Uncertain significance. Last evaluated: 2025-06-04. Review status: criteria provided, single submitter. Criteria: Invitae Variant Classification Sherloc (09022015). Collection method: clinical testing. Allele origin: germline.
Comment: This sequence change replaces aspartic acid, which is acidic and polar, with histidine, which is basic and polar, at codon 1590 of the SPTA1 protein (p.Asp1590His). This variant is not present in population databases (gnomAD no frequency). This variant has not been reported in the literature in individuals affected with SPTA1-related conditions. ClinVar contains an entry for this variant (Variation ID: 2690106). Invitae Evidence Modeling of protein sequence and biophysical properties (such as structural, functional, and spatial information, amino acid conservation, physicochemical variation, residue mobility, and thermodynamic stability) indicates that this missense variant is not expected to disrupt SPTA1 protein function with a negative predictive value of 80%. In summary, the available evidence is currently insufficient to determine the role of this variant in disease. Therefore, it has been classified as a Variant of Uncertain Significance.

Revvity Omics, Revvity
Classification: Uncertain significance. Last evaluated: 2023-06-13. Review status: criteria provided, single submitter. Criteria: ACMG Guidelines, 2015. Collection method: clinical testing. Allele origin: germline.

NM_003126.4(SPTA1):c.4768G>C (p.Asp1590His)

Gene: SPTA1 (spectrin alpha, erythrocytic 1; minus strand). Cytogenetic location: 1q23.1.
Variant type: single nucleotide variant.
Coding change: c.4768G>C on transcript NM_003126.4 (MANE Select); coding-DNA position 4768, G replaced by C.
Protein change: p.Asp1590His; replaces aspartic acid 1590 with histidine.
Molecular consequence: missense variant.
Genome position (GRCh38, 1-based): chr1:158,639,977, C>G on the plus strand (G>C on the coding strand, the complement: SPTA1 is on the minus strand). VCF-style: chr1-158639977-C-G. GRCh37 (hg19) VCF-style: chr1-158609767-C-G.
Other names: short protein forms D1590H.
Identifiers: ClinVar variation 2690106 (VCV002690106.3), dbSNP rs1213083143, ClinGen allele CA343029703.